The following is an entry in ClinVar:

NM_030653.4(DDX11):c.510C>A (p.Leu170=)

Gene: DDX11 (DEAD/H-box helicase 11; plus strand). Cytogenetic location: 12p11.21.
Variant type: single nucleotide variant.
Coding change: c.510C>A on transcript NM_030653.4 (MANE Select); coding-DNA position 510, C replaced by A.
Protein change: p.Leu170=; no amino-acid change (leucine 170 retained).
Molecular consequence: synonymous variant. On other transcripts: 5 prime UTR variant (5), non-coding transcript variant (4).
Genome position (GRCh38, 1-based): chr12:31,084,998, C>A. VCF-style: chr12-31084998-C-A. GRCh37 (hg19) VCF-style: chr12-31237932-C-A.
Other names: c.510C>A, p.Leu170= (NM_001257144.2, NM_001413692.1, NM_001413693.1 and 5 more transcripts); c.432C>A, p.Leu144= (NM_001257145.2, NM_001413697.1, NM_001413698.1 and 1 more transcripts); c.423C>A, p.Leu141= (NM_001413700.1); c.-19C>A (NM_001413702.1, NM_001413703.1); c.-551C>A (NM_001413704.1, NM_001413705.1); c.-369C>A (NM_001413706.1).
Identifiers: ClinVar variation 4280930 (VCV004280930.7).

ClinVar aggregate classification (germline): Likely benign (1 of 4 stars; one submission).

Submission:

CeGaT Center for Human Genetics Tuebingen
Classification: Likely benign. Last evaluated: 2026-09-01. Review status: criteria provided, single submitter. Criteria: CeGaT Center For Human Genetics Tuebingen Variant Classification Criteria Version 2. Collection method: clinical testing. Allele origin: germline. Affected: yes. Observed: 11 variant alleles.
Comment: DDX11: BP4, BP7